The following is an entry in ClinVar:

ClinVar aggregate classification (germline): Uncertain significance (1 of 4 stars; one submission).

Submission:

GeneDx
Classification: Uncertain significance. Last evaluated: 2022-12-23. Review status: criteria provided, single submitter. Criteria: GeneDx Variant Classification Process June 2021. Collection method: clinical testing. Allele origin: germline. Affected: yes.
Comment: In silico analysis supports that this missense variant has a deleterious effect on protein structure/function; Not observed at significant frequency in large population cohorts (gnomAD); Has not been previously published as pathogenic or benign to our knowledge

NM_001134407.3(GRIN2A):c.663G>C (p.Lys221Asn)

Gene: GRIN2A (glutamate ionotropic receptor NMDA type subunit 2A; minus strand). Cytogenetic location: 16p13.2.
Variant type: single nucleotide variant.
Coding change: c.663G>C on transcript NM_001134407.3 (MANE Select); coding-DNA position 663, G replaced by C.
Protein change: p.Lys221Asn; replaces lysine 221 with asparagine.
Molecular consequence: missense variant.
Genome position (GRCh38, 1-based): chr16:9,938,303, C>G on the plus strand (G>C on the coding strand, the complement: GRIN2A is on the minus strand). VCF-style: chr16-9938303-C-G. GRCh37 (hg19) VCF-style: chr16-10032160-C-G.
Other names: c.663G>C, p.Lys221Asn (NM_000833.5, NM_001134408.2); short protein forms K221N.
Identifiers: ClinVar variation 2507236 (VCV002507236.1), dbSNP rs2141631649, ClinGen allele CA394798771.
Genomic context (GRCh38, chr16:9,938,303, plus strand): 5'-ACTCAGAATGAGAACAGCCTCGTCTTTGGAACAGTAGAGCAAGATGACAGAAGAGTGGAT[C>G]TTCTTCAGCTGGACTTGTGTCTTTGCATCCTCAAAGGAAGTGTCCAGTGTGATCACATTC-3'
Protein context (NP_001127879.1, residues 211-231): EDAKTQVQLK[Lys221Asn]IHSSVILLYC